The following is an entry in ClinVar:

NM_001282225.2(ADA2):c.587T>C (p.Ile196Thr)

Gene: ADA2 (adenosine deaminase 2; minus strand). Cytogenetic location: 22q11.1.
Variant type: single nucleotide variant.
Coding change: c.587T>C on transcript NM_001282225.2 (MANE Select); coding-DNA position 587, T replaced by C.
Protein change: p.Ile196Thr; replaces isoleucine 196 with threonine.
Molecular consequence: missense variant.
Genome position (GRCh38, 1-based): chr22:17,203,729, A>G on the plus strand (T>C on the coding strand, the complement: ADA2 is on the minus strand). VCF-style: chr22-17203729-A-G. GRCh37 (hg19) VCF-style: chr22-17684619-A-G.
Other names: c.587T>C, p.Ile196Thr (NM_001282226.2); c.461T>C, p.Ile154Thr (NM_001282227.2, NM_001282228.2); c.227T>C, p.Ile76Thr (NM_001282229.2); short protein forms I154T, I76T, I196T.
Identifiers: ClinVar variation 1488756 (VCV001488756.6), dbSNP rs538708563, ClinGen allele CA10088179.

ClinVar aggregate classification (germline): Uncertain significance. Review status: criteria provided, multiple submitters, no conflicts (2 of 4 stars). 2 submissions from 2 submitters: Uncertain significance (2). Last evaluated 2024-06-16.

Conditions:
Deficiency of adenosine deaminase 2. Also called: Polyarteritis nodosa, childhoood-onset; VASCULITIS, AUTOINFLAMMATION, IMMUNODEFICIENCY, AND HEMATOLOGIC DEFECTS SYNDROME; Adenosine Deaminase 2 Deficiency. Identifiers: Orphanet 404553, MedGen C3887654, MONDO:0014306, OMIM 615688, MONDO:0100317.
Sneddon syndrome (SNDNS). Also called: Idiopathic livedo reticularis with systemic involvement; LIVEDO RETICULARIS AND CEREBROVASCULAR ACCIDENTS. Identifiers: Orphanet 820, MedGen C0282492, MONDO:0008436, OMIM 182410.

Allele frequency attached by ClinVar (database versions not stated): gnomAD 0.00002 and 0.00003; gnomAD exomes 0.00002; TOPMed 0.00002; ExAC 0.00003; 1000 Genomes Project 30x 0.00016; 1000 Genomes Project 0.00020.
gnomAD v4.1: 31 of 1,614,154 alleles (0.0019%); highest among the groups gnomAD compares: Non-Finnish European, 0.0017%; no homozygotes.

Submissions (2):

Labcorp Genetics (formerly Invitae), Labcorp
Classification: Uncertain significance for Deficiency of adenosine deaminase 2. Last evaluated: 2024-06-16. Review status: criteria provided, single submitter. Criteria: Invitae Variant Classification Sherloc (09022015). Collection method: clinical testing. Allele origin: germline.
Comment: This sequence change replaces isoleucine, which is neutral and non-polar, with threonine, which is neutral and polar, at codon 196 of the ADA2 protein (p.Ile196Thr). This variant is present in population databases (rs538708563, gnomAD 0.008%). This variant has not been reported in the literature in individuals affected with ADA2-related conditions. ClinVar contains an entry for this variant (Variation ID: 1488756). Advanced modeling of protein sequence and biophysical properties (such as structural, functional, and spatial information, amino acid conservation, physicochemical variation, residue mobility, and thermodynamic stability) performed at Invitae indicates that this missense variant is not expected to disrupt ADA2 protein function with a negative predictive value of 95%. In summary, the available evidence is currently insufficient to determine the role of this variant in disease. Therefore, it has been classified as a Variant of Uncertain Significance.

Fulgent Genetics
Classification: Uncertain significance for Sneddon syndrome; Deficiency of adenosine deaminase 2. Last evaluated: 2024-03-13. Review status: criteria provided, single submitter. Criteria: ACMG Guidelines, 2015. Collection method: clinical testing. Allele origin: germline.